The following is an entry in ClinVar:

NM_000939.4(POMC):c.516C>T (p.Phe172=)

Gene: POMC (proopiomelanocortin; minus strand). Cytogenetic location: 2p23.3.
Variant type: single nucleotide variant.
Coding change: c.516C>T on transcript NM_000939.4 (MANE Select); coding-DNA position 516, C replaced by T.
Protein change: p.Phe172=; no amino-acid change (phenylalanine 172 retained).
Molecular consequence: synonymous variant.
Genome position (GRCh38, 1-based): chr2:25,161,369, G>A on the plus strand (C>T on the coding strand, the complement: POMC is on the minus strand). VCF-style: chr2-25161369-G-A. GRCh37 (hg19) VCF-style: chr2-25384238-G-A.
Other names: c.516C>T, p.Phe172= (NM_001035256.3, NM_001319204.2, NM_001319205.2).
Identifiers: ClinVar variation 3355156 (VCV003355156.1).

ClinVar aggregate classification (germline): Likely benign (0 of 4 stars; one submission).

Conditions:
POMC-related disorder. Also called: POMC-related disorders; POMC-related condition.

Submission:

PreventionGenetics, part of Exact Sciences
Classification: Likely benign for POMC-related condition. Last evaluated: 2019-09-19. Review status: no assertion criteria provided. Collection method: clinical testing. Allele origin: germline.
Comment: This variant is classified as likely benign based on ACMG/AMP sequence variant interpretation guidelines (Richards et al. 2015 PMID: 25741868, with internal and published modifications).